The following is an entry in ClinVar:

NM_005502.4(ABCA1):c.-205G>T

Genes: ABCA1 (ATP binding cassette subfamily A member 1; minus strand), LOC105376196 (uncharacterized LOC105376196; plus strand). Cytogenetic location: 9q31.1.
Variant type: single nucleotide variant.
Coding change: c.-205G>T on transcript NM_005502.4 (MANE Select); 205 bases upstream of the start codon, G replaced by T.
Molecular consequence: 5 prime UTR variant.
Genome position (GRCh38, 1-based): chr9:104,928,047, C>A on the plus strand (G>T on the coding strand, the complement: ABCA1 is on the minus strand). VCF-style: chr9-104928047-C-A. GRCh37 (hg19) VCF-style: chr9-107690328-C-A.
Identifiers: ClinVar variation 364477 (VCV000364477.5), dbSNP rs78086474, ClinGen allele CA10632104.

ClinVar aggregate classification (germline): Conflicting classifications of pathogenicity. Review status: criteria provided, conflicting classifications (1 of 4 stars). 2 submissions from 1 submitter: Uncertain significance (1); Benign (1). Last evaluated 2018-01-12.

Conditions:
Hypoalphalipoproteinemia, primary, 1. Identifiers: Orphanet 425, MedGen C5231558, MONDO:0011393, OMIM 604091.
Tangier disease (TGD). Also called: HIGH DENSITY LIPOPROTEIN DEFICIENCY, TANGIER TYPE; HIGH DENSITY LIPOPROTEIN DEFICIENCY, TYPE 1; Cholesterol thesaurismosis. Identifiers: Orphanet 31150, MedGen C0039292, MONDO:0008783, OMIM 205400.

Allele frequency attached by ClinVar (database versions not stated): 1000 Genomes Project 0.00140; 1000 Genomes Project 30x 0.00156; TOPMed 0.00182; gnomAD 0.00220 and 0.00222.

Submissions (2):

Illumina Laboratory Services, Illumina
Classification: Uncertain significance for Tangier disease. Last evaluated: 2018-01-12. Review status: criteria provided, single submitter. Criteria: ICSL Variant Classification Criteria 13 December 2019. Collection method: clinical testing. Allele origin: germline.

Illumina Laboratory Services, Illumina
Classification: Benign for Hypoalphalipoproteinemia, primary, 1. Last evaluated: 2018-01-12. Review status: criteria provided, single submitter. Criteria: ICSL Variant Classification Criteria 13 December 2019. Collection method: clinical testing. Allele origin: germline.
Comment: This variant was observed in the ICSL laboratory as part of a predisposition screen in an ostensibly healthy population. It had not been previously curated by ICSL or reported in the Human Gene Mutation Database (HGMD: prior to June 1st, 2018), and was therefore a candidate for classification through an automated scoring system. Utilizing variant allele frequency, disease prevalence and penetrance estimates, and inheritance mode, an automated score was calculated to assess if this variant is too frequent to cause the disease. Based on the score and internal cut-off values, a variant classified as benign is not then subjected to further curation. The score for this variant resulted in a classification of benign for this disease.